The following is an entry in ClinVar:

ClinVar aggregate classification (germline): Uncertain significance (1 of 4 stars; one submission).

Submission:

GeneDx
Classification: Uncertain significance. Last evaluated: 2022-12-30. Review status: criteria provided, single submitter. Criteria: GeneDx Variant Classification Process June 2021. Collection method: clinical testing. Allele origin: germline. Affected: yes.
Comment: Not observed at significant frequency in large population cohorts (gnomAD); In silico analysis supports that this missense variant does not alter protein structure/function; Has not been previously published as pathogenic or benign to our knowledge

NM_020922.5(WNK3):c.1815G>T (p.Gln605His)

Gene: WNK3 (WNK lysine deficient protein kinase 3; minus strand). Cytogenetic location: Xp11.22.
Variant type: single nucleotide variant.
Coding change: c.1815G>T on transcript NM_020922.5 (MANE Select); coding-DNA position 1815, G replaced by T.
Protein change: p.Gln605His; replaces glutamine 605 with histidine.
Molecular consequence: missense variant.
Genome position (GRCh38, 1-based): chrX:54,293,206, C>A on the plus strand (G>T on the coding strand, the complement: WNK3 is on the minus strand). VCF-style: chrX-54293206-C-A. GRCh37 (hg19) VCF-style: chrX-54319639-C-A.
Other names: c.1815G>T, p.Gln605His (NM_001002838.4, NM_001395166.1); short protein forms Q605H.
Identifiers: ClinVar variation 2507061 (VCV002507061.1), dbSNP rs2521649983, ClinGen allele CA413342792.